The following is an entry in ClinVar:

NM_000057.4(BLM):c.2315C>T (p.Ala772Val)

Gene: BLM (BLM RecQ like helicase; plus strand). Cytogenetic location: 15q26.1.
Variant type: single nucleotide variant.
Coding change: c.2315C>T on transcript NM_000057.4 (MANE Select); coding-DNA position 2315, C replaced by T.
Protein change: p.Ala772Val; replaces alanine 772 with valine.
Molecular consequence: missense variant.
Genome position (GRCh38, 1-based): chr15:90,769,140, C>T. VCF-style: chr15-90769140-C-T. GRCh37 (hg19) VCF-style: chr15-91312370-C-T.
Other names: c.2315C>T, p.Ala772Val (NM_001287246.2, NM_001287247.2); c.1190C>T, p.Ala397Val (NM_001287248.2); short protein forms A772V, A397V.
Identifiers: ClinVar variation 573676 (VCV000573676.19), dbSNP rs765478171, ClinGen allele CA7738730.

ClinVar aggregate classification (germline): Uncertain significance. Review status: criteria provided, multiple submitters, no conflicts (2 of 4 stars). 6 submissions from 6 submitters: Uncertain significance (5). 1 of the submissions does not count toward it. Last evaluated 2026-05-14.

Conditions:
BLM-related disorder. Also called: BLM-related condition.
Hereditary cancer-predisposing syndrome. Also called: Neoplastic Syndromes, Hereditary; Tumor predisposition; Hereditary Cancer Syndrome; Hereditary neoplastic syndrome. Identifiers: Orphanet 140162, MedGen C0027672, MeSH D009386, MONDO:0015356.
Bloom syndrome (BLM). Also called: Bloom-Torre-Machacek syndrome. Identifiers: Orphanet 125, MedGen C0005859, MONDO:0008876, OMIM 210900.

Allele frequency attached by ClinVar (database versions not stated): ExAC 0.00001; gnomAD exomes 0.00001; TOPMed 0.00004; gnomAD 0.00005 and 0.00006.
gnomAD v4.1: 23 of 1,609,990 alleles (0.0014%); highest among the groups gnomAD compares: African/African-American, 0.029%; no homozygotes.

Submissions (6):

PreventionGenetics, part of Exact Sciences
Classification: Uncertain significance for BLM-related condition. Last evaluated: 2026-05-14. Review status: criteria provided, single submitter. Criteria: ACMG Guidelines, 2015. Collection method: clinical testing. Allele origin: germline.
Comment: The BLM c.2315C>T variant is predicted to result in the amino acid substitution p.Ala772Val. To our knowledge, this variant has not been reported in the literature. This variant is reported in 0.016% of alleles in individuals of African descent in gnomAD and is interpreted as variant of uncertain significance in ClinVar (Variation ID: 573676). At this time, the clinical significance of this variant is uncertain due to the absence of conclusive functional and genetic evidence.

St. Jude Molecular Pathology, St. Jude Children's Research Hospital
Classification: Uncertain significance for Bloom syndrome. Last evaluated: 2026-02-11. Review status: criteria provided, single submitter. Criteria: St. Jude Assertion Criteria 2020. Collection method: clinical testing. Allele origin: germline.
Comment: The BLM c.2315C>T p.(Ala772Val) missense change has a maximum subpopulation frequency of 0.02% in gnomAD v2.1.1. The in silico tool REVEL is inconclusive about a pathogenic or benign effect of this variant on protein function, and to our knowledge functional studies have not been performed. To our knowledge, this variant has not been reported in individuals with Bloom syndrome. In summary, the evidence currently available is insufficient to determine the clinical significance of this variant. It has therefore been classified as of uncertain significance.

Ambry Genetics
Classification: Uncertain significance for Hereditary cancer-predisposing syndrome. Last evaluated: 2025-09-02. Review status: criteria provided, single submitter. Criteria: Ambry Variant Classification Scheme 2023. Collection method: clinical testing. Allele origin: germline.
Comment: The p.A772V variant (also known as c.2315C>T), located in coding exon 10 of the BLM gene, results from a C to T substitution at nucleotide position 2315. The alanine at codon 772 is replaced by valine, an amino acid with similar properties. This amino acid position is well conserved in available vertebrate species. In addition, the in silico prediction for this alteration is inconclusive. Since supporting evidence is limited at this time, the clinical significance of this alteration remains unclear.

Labcorp Genetics (formerly Invitae), Labcorp
Classification: Uncertain significance for Bloom syndrome. Last evaluated: 2024-07-22. Review status: criteria provided, single submitter. Criteria: Invitae Variant Classification Sherloc (09022015). Collection method: clinical testing. Allele origin: germline.
Comment: This sequence change replaces alanine, which is neutral and non-polar, with valine, which is neutral and non-polar, at codon 772 of the BLM protein (p.Ala772Val). This variant is present in population databases (rs765478171, gnomAD 0.02%). This variant has not been reported in the literature in individuals affected with BLM-related conditions. ClinVar contains an entry for this variant (Variation ID: 573676). Advanced modeling of protein sequence and biophysical properties (such as structural, functional, and spatial information, amino acid conservation, physicochemical variation, residue mobility, and thermodynamic stability) performed at Invitae indicates that this missense variant is not expected to disrupt BLM protein function with a negative predictive value of 80%. RNA analysis performed to evaluate the impact of this missense change on mRNA splicing indicates it does not significantly alter splicing (Invitae). In summary, the available evidence is currently insufficient to determine the role of this variant in disease. Therefore, it has been classified as a Variant of Uncertain Significance.

Quest Diagnostics Nichols Institute San Juan Capistrano
Classification: Uncertain significance. Last evaluated: 2024-03-22. Review status: criteria provided, single submitter. Criteria: Quest Diagnostics criteria. Collection method: clinical testing. Allele origin: unknown.
Comment: The BLM c.2315C>T (p.Ala772Val) variant has not been reported in individuals with BLM-related conditions in the published literature. The frequency of this variant in the general population, 0.00016 (4/24970 chromosomes (Genome Aggregation Database)), is uninformative in the assessment of its pathogenicity. Analysis of this variant using bioinformatics tools for the prediction of the effect of amino acid changes on protein structure and function yielded conflicting predictions that this variant is deleterious or benign. Based on the available information, we are unable to determine the clinical significance of this variant.

Natera, Inc.
Classification: Uncertain significance for Bloom syndrome. Last evaluated: 2020-09-16. Review status: no assertion criteria provided. Collection method: clinical testing. Allele origin: germline. Not counted in ClinVar's aggregate classification.